The following is an entry in ClinVar:

NM_001369.3(DNAH5):c.10738_10739insAAAACAGA (p.Gly3580fs)

Gene: DNAH5 (dynein axonemal heavy chain 5; minus strand). Cytogenetic location: 5p15.2.
Variant type: Insertion.
Coding change: c.10738_10739insAAAACAGA on transcript NM_001369.3 (MANE Select); coding-DNA positions 10738 to 10739, AAAACAGA inserted.
Protein change: p.Gly3580fs; shifts the reading frame from glycine 3580.
Molecular consequence: frameshift variant.
Genome position: GRCh38 VCF-style: chr5-13753366-C-CTCTGTTTT. GRCh37 (hg19) VCF-style: chr5-13753475-C-CTCTGTTTT.
Other names: short protein forms G3580fs.
Identifiers: ClinVar variation 5010969 (VCV005010969.1).
Genomic context (GRCh38, chr5:13,753,366, plus strand): 5'-TAACGAGATGCCTTCGTGACAATAATTCCATTTTGAATGGACAAGTCATCATTTGGCAGA[C>CTCTGTTTT]CTTGGAGGTTCCATTCACTAATAGTAGGAGCATCAATCAACATCTCACTGAGATTTAGGT-3'

ClinVar aggregate classification (germline): Pathogenic (1 of 4 stars; one submission).

Conditions:
Primary ciliary dyskinesia 3. Identifiers: Orphanet 244, MedGen C1837618, MONDO:0012085, OMIM 608644.

Submission:

Myriad Genetics, Inc.
Classification: Pathogenic for Primary ciliary dyskinesia 3. Last evaluated: 2024-05-14. Review status: criteria provided, single submitter. Criteria: Myriad Autosomal Dominant, Autosomal Recessive and X-Linked Classification Criteria (2023). Collection method: clinical testing. Allele origin: unknown.
Comment: NM_001369.2(DNAH5):c.10738_10739ins8(G3580Efs*27) is expected to be pathogenic in the context of primary ciliary dyskinesia, DNAH5-related. This variant is predicted to lead to an abnormal or absent protein product due to the creation of a premature termination codon in DNAH5, a gene where loss-of-function variants are known to be pathogenic. Please note: this variant was assessed in the context of healthy population screening.